The following is an entry in ClinVar:

NM_004260.4(RECQL4):c.80G>A (p.Ser27Asn)

Genes: RECQL4 (RecQ like helicase 4; minus strand), LOC130001411 (ATAC-STARR-seq lymphoblastoid silent region 19699; plus strand). Cytogenetic location: 8q24.3.
Variant type: single nucleotide variant.
Coding change: c.80G>A on transcript NM_004260.4 (MANE Select); coding-DNA position 80, G replaced by A.
Protein change: p.Ser27Asn; replaces serine 27 with asparagine.
Molecular consequence: missense variant.
Genome position (GRCh38, 1-based): chr8:144,517,705, C>T on the plus strand (G>A on the coding strand, the complement: RECQL4 is on the minus strand). VCF-style: chr8-144517705-C-T. GRCh37 (hg19) VCF-style: chr8-145743089-C-T.
Other names: short protein forms S27N.
Identifiers: ClinVar variation 964988 (VCV000964988.5), dbSNP rs1815426587, ClinGen allele CA372693623.

ClinVar aggregate classification (germline): Uncertain significance (1 of 4 stars; one submission).

Conditions:
Baller-Gerold syndrome (BGS). Also called: CRANIOSYNOSTOSIS WITH RADIAL DEFECTS. Identifiers: Orphanet 1225, MedGen C0265308, MONDO:0009039, OMIM 218600.

Allele frequency attached by ClinVar (database versions not stated): gnomAD exomes below 0.00001; TOPMed below 0.00001.

Submission:

Labcorp Genetics (formerly Invitae), Labcorp
Classification: Uncertain significance for Baller-Gerold syndrome. Last evaluated: 2019-10-09. Review status: criteria provided, single submitter. Criteria: Invitae Variant Classification Sherloc (09022015). Collection method: clinical testing. Allele origin: germline.
Comment: This sequence change replaces serine with asparagine at codon 27 of the RECQL4 protein (p.Ser27Asn). The serine residue is weakly conserved and there is a small physicochemical difference between serine and asparagine. The frequency data for this variant in the population databases is considered unreliable, as metrics indicate insufficient coverage at this position in the ExAC database. This variant has not been reported in the literature in individuals with RECQL4-related conditions. In summary, the available evidence is currently insufficient to determine the role of this variant in disease. Therefore, it has been classified as a Variant of Uncertain Significance. Algorithms developed to predict the effect of missense changes on protein structure and function (SIFT, PolyPhen-2, Align-GVGD) all suggest that this variant is likely to be tolerated, but these predictions have not been confirmed by published functional studies and their clinical significance is uncertain.